The following is an entry in ClinVar:

NM_003126.4(SPTA1):c.460_462dup (p.Leu155dup)

Gene: SPTA1 (spectrin alpha, erythrocytic 1; minus strand). Cytogenetic location: 1q23.1.
Variant type: Duplication.
Coding change: c.460_462dup on transcript NM_003126.4 (MANE Select); coding-DNA positions 460 to 462, 3 bases duplicated (TTG; older notation c.460_462dupTTG).
Protein change: p.Leu155dup; duplicates leucine 155.
Molecular consequence: inframe insertion.
Genome position (GRCh38, 1-based): chr1:158,681,596-158,681,598, CAA duplicated on the plus strand (TTG on the coding strand, the reverse complement: SPTA1 is on the minus strand); duplicating any 3 consecutive bases within chr1:158,681,596-158,681,599 gives the same sequence; the c. name uses the placement nearest the transcript's 3' end. VCF-style (leftmost placement, unchanged base first): chr1-158681595-G-GCAA. GRCh37 (hg19) VCF-style: chr1-158651385-G-GCAA.
Other names: c.460_462dupTTG (NM_003126.2).
Identifiers: ClinVar variation 12847 (VCV000012847.73), dbSNP rs757679761, ClinGen allele CA213176.

ClinVar aggregate classification (germline): Conflicting classifications of pathogenicity. Review status: criteria provided, conflicting classifications (1 of 4 stars). 15 submissions from 15 submitters: Pathogenic (11); Likely pathogenic (2); Uncertain significance (1). 1 of the submissions does not count toward it. Last evaluated 2026-03-11.

Conditions:
SPTA1-related disorder. Also called: SPTA1-related disorders; SPTA1-related condition.
Elliptocytosis 2 (EL2). Also called: ELLIPTOCYTOSIS, RHESUS-UNLINKED TYPE. Identifiers: Orphanet 288, MedGen C1851741, MONDO:0007533, OMIM 130600.
Pyropoikilocytosis, hereditary. Also called: Pyropoikilocytosis. Identifiers: MedGen C0520739, MONDO:0009948, OMIM 266140, HP:0004839. Disease mechanism: loss of function.

Submissions (15):

PreventionGenetics, part of Exact Sciences
Classification: Pathogenic for SPTA1-related condition. Last evaluated: 2026-03-11. Review status: criteria provided, single submitter. Criteria: ACMG Guidelines, 2015. Collection method: clinical testing. Allele origin: germline.
Comment: The SPTA1 c.460_462dupTTG variant is predicted to result in an in-frame duplication (p.Leu155dup). This variant has been reported to be causative for autosomal dominant hereditary elliptocytosis (Roux et al. 1989. PubMed ID: 2567189; Andolfo et al. 2021. PubMed ID: 34201899; Risinger et al. 2018. PubMed ID: 30393954). This variant is reported in 0.095% of alleles in individuals of African descent in gnomAD. This variant is interpreted as pathogenic.

Labcorp Genetics (formerly Invitae), Labcorp
Classification: Pathogenic. Last evaluated: 2026-01-29. Review status: criteria provided, single submitter. Criteria: Invitae Variant Classification Sherloc (09022015). Collection method: clinical testing. Allele origin: germline.
Comment: This variant, c.460_462dup, results in the insertion of 1 amino acid(s) of the SPTA1 protein (p.Leu155dup), but otherwise preserves the integrity of the reading frame. This variant is present in population databases (rs757679761, gnomAD 0.09%). This variant has been observed in individuals with autosomal dominant hereditary elliptocytosis and autosomal recessive hereditary pyropoikilocytosis (PMID: 1642244, 2567189, 2794061, 3922449, 8790144, 8857939, 30393954). It has also been observed to segregate with disease in related individuals. This variant is also known as dupL154 and duplication of codon 154. ClinVar contains an entry for this variant (Variation ID: 12847). Algorithms developed to predict the effect of variants on gene product structure and function are not available or were not evaluated for this variant. Experimental studies have shown that this variant affects SPTA1 function (PMID: 3922449). For these reasons, this variant has been classified as Pathogenic.

GeneDx
Classification: Uncertain significance. Last evaluated: 2025-12-03. Review status: criteria provided, single submitter. Criteria: GeneDx Variant Classification Process June 2021. Collection method: clinical testing. Allele origin: germline. Affected: yes.
Comment: In-frame deletion of 1 amino acid in a non-repeat region; Also known as alpha I-65 or L148dup; This variant is associated with the following publications: (PMID: 38556258, 35150601, 2567189, 3597773, 2794061, 1353056, 8857939, 30393954, 31040790, 34426522, 31589614, 32623341, 34889366, 34553410, 33074480, 34201899, 37016817, 40714857, 27667160, 4027386)

Mayo Clinic Laboratories, Mayo Clinic
Classification: Pathogenic. Last evaluated: 2025-10-28. Review status: criteria provided, single submitter. Criteria: ACMG Guidelines, 2015. Collection method: clinical testing. Allele origin: germline. Observed: 49 variant alleles.

CeGaT Center for Human Genetics Tuebingen
Classification: Pathogenic. Last evaluated: 2025-09-01. Review status: criteria provided, single submitter. Criteria: CeGaT Center For Human Genetics Tuebingen Variant Classification Criteria Version 2. Collection method: clinical testing. Allele origin: germline. Affected: yes. Observed: 2 variant alleles.
Comment: SPTA1: PS4, PP1:Moderate, PS3:Moderate, PM2:Supporting, PM4:Supporting, PP4

ARUP Laboratories, Molecular Genetics and Genomics, ARUP Laboratories
Classification: Pathogenic. Last evaluated: 2025-02-20. Review status: criteria provided, single submitter. Criteria: ARUP Molecular Germline Variant Investigation Process 2024. Collection method: clinical testing. Allele origin: germline.
Comment: The SPTA1 c.460_462dup, p.Leu155dup variant (rs757679761, ClinVar Variation ID: 12847), also known as p.Leu154dup and SpaI/65, is reported in the literature in multiple related and unrelated individuals, primarily of African descent, affected with hereditary elliptocytosis, although with variable clinical severity (Bahr 2020, del Giudice 1992, Garbarz 1986, Kalfa 2021, Marchesi 1987, Niss 2016, Qualtieri 1995, Risinger 2019, Roux 1989, Sahr 1989). This variant has been reported in trans (on opposite chromosomes) to the SPTA1 alpha-LELY allele in individuals affected with hereditary pyropoikilocytosis (Niss 2016, Risinger 2019). This variant has also been reported as a modifier of sickle cell disease severity (Risinger 2019). In vitro functional analyses demonstrate impaired spectrin tetramer formation (Marchesi 1987). This variant is found predominantly in the African/African American population with an allele frequency of 0.095% (23/24,192 alleles) in the Genome Aggregation Database (v2.1.1). This variant inserts a single leucine residue leaving the rest of the protein in-frame. Based on available information, this variant is considered to be pathogenic. References: Bahr TM et al. Dizygotic twins with prolonged jaundice and microcytic, hypochromic, hemolytic anemia with pyropoikilocytosis. Blood Cells Mol Dis. 2020 Nov. PMID: 32623341 del Giudice EM et al. Alpha I/65 hereditary elliptocytosis in southern Italy: evidence for an African origin. Hum Genet. 1992 Jul. PMID: 1353056 Garbarz M et al. Double inheritance of an alpha I/65 spectrin variant in a child with homozygous elliptocytosis. Blood. 1986 Jun. PMID: 3708157 Kalfa TA. Diagnosis and clinical management of red cell membrane disorders. Hematology Am Soc Hematol Educ Program. 2021 Dec 10. PMID: 34889366 Marchesi SL et al. Mutant forms of spectrin alpha-subunits in hereditary elliptocytosis. J Clin Invest. 1987 Jul. PMID: 3597773 Niss O et al. Genotype-phenotype correlations in hereditary elliptocytosis and hereditary pyropoikilocytosis. Blood Cells Mol Dis. 2016 Oct. PMID: 27667160 Qualtieri A et al. SP alpha I/65 hereditary elliptocytosis in Calabria (southern Italy). Hum Genet. 1995 Mar. PMID: 7868135 Risinger M et al. Hereditary elliptocytosis-associated alpha-spectrin mutation p.L155dup as a modifier of sickle cell disease severity. Pediatric blood & cancer. 2019 Feb. PMID: 30393954 Roux AF et al. Molecular basis of Sp alpha I/65 hereditary elliptocytosis in North Africa: insertion of a TTG triplet between codons 147 and 149 in the alpha-spectrin gene from five unrelated families. Blood. 1989 Jun. PMID: 2567189 Sahr KE et al. Sequence and exon-intron organization of the DNA encoding the alpha I domain of human spectrin. Application to the study of mutations causing hereditary elliptocytosis. J Clin Invest. 1989 Oct. PMID: 2794061 Vives-Corrons JL et al. Characterization of hereditary red blood cell membranopathies using combined targeted next-generation sequencing and osmotic gradient ektacytometry. Int J Hematol. 2021 Feb. PMID: 33074480

Blueprint Genetics
Classification: Pathogenic for SPTA1-related disorders. Last evaluated: 2024-10-09. Review status: criteria provided, single submitter. Criteria: ACMG Guidelines, 2015. Collection method: clinical testing. Allele origin: germline. Affected: yes. Observed: 5 variant alleles.

Revvity Omics, Revvity
Classification: Pathogenic. Last evaluated: 2024-04-18. Review status: criteria provided, single submitter. Criteria: ACMG Guidelines, 2015. Collection method: clinical testing. Allele origin: germline.

Genomic Medicine Center of Excellence, King Faisal Specialist Hospital and Research Centre
Classification: Pathogenic for Elliptocytosis 2. Last evaluated: 2024-03-25. Review status: criteria provided, single submitter. Criteria: ACMG Guidelines, 2015. Collection method: research. Allele origin: germline.

Molecular Genetics and NGS Laboratory, Hospital Fundacion Valle Del Lili
Classification: Pathogenic for Elliptocytosis 2. Last evaluated: 2023-11-13. Review status: criteria provided, single submitter. Criteria: ACMG Guidelines, 2015. Collection method: clinical testing. Allele origin: germline. Affected: yes. Observed: 1 variant allele.

Women's Health and Genetics/Laboratory Corporation of America, LabCorp
Classification: Pathogenic for Elliptocytosis 2. Last evaluated: 2022-03-28. Review status: criteria provided, single submitter. Criteria: LabCorp Variant Classification Summary - May 2015. Collection method: clinical testing. Allele origin: germline.
Comment: Variant summary: SPTA1 c.460_462dupTTG (p.Leu155dup) results in an in-frame duplication that is predicted to duplicate 1 amino acid into the encoded protein. The variant allele was found at a frequency of 7.6e-05 in 249160 control chromosomes, predominantly at a frequency of 0.0011 within the African or African-American subpopulation in the gnomAD database. c.460_462dupTTG (also described as Sp alpha[I/65] and as dupL154) has been reported in the literature in multiple heterozygous individuals, particularly of African descent, affected with hereditary elliptocytosis (e.g. Lawler_1985, Marchesi_1987, Roux_1989, Glele-Kakai_1996, Niss_2016) and in some compound heterozygous individuals affected with hereditary pyropoikilocytosis (e.g. Niss_2016). These data indicate that the variant is very likely to be associated with disease. Experimental evidence revealed a decrease of the alpha l domain of spectrin and presence of an atypical peptide and also, impaired ability to undergo self association to form tetramers and higher oligomers (Lawler_1985, Marchesi_1987). Five ClinVar submitters (evaluation after 2014) cite the variant as pathogenic/likely pathogenic. Based on the evidence outlined above, the variant was classified as pathogenic.

Athena Diagnostics
Classification: Likely pathogenic. Last evaluated: 2020-09-11. Review status: criteria provided, single submitter. Criteria: Athena Diagnostics Criteria. Collection method: clinical testing. Allele origin: unknown.
Comment: This variant, also referred to as alpha I-65, is enriched in individuals with hereditary elliptocytosis (HE) as compared to the general population (PMID: 8857939, 2567189, 30393954, 32623341). The clinical presentation of HE in individuals who have this variant in the heterozygous sate is typically characterized by mild hemolytic anemia and abnormally-shaped red blood cells. The clinical presentation is more severe when this variant is compound heterozygous with a pathogenic SPTA1 variant. This variant has also been reported to be a modifier of sickle cell anemia (PMID: 2567189, 30393954, 32623341). The frequency of this variant in the general population is uninformative but consistent with pathogenicity.This observation is not an independent occurrence and has been identified in the same individual by RCIGM, the other laboratory participating in the GEMINI study.

Baylor Genetics
Classification: Pathogenic for Pyropoikilocytosis, hereditary. Last evaluated: 2018-10-17. Review status: criteria provided, single submitter. Criteria: ACMG Guidelines, 2015. Collection method: clinical testing. Allele origin: paternal. Affected: yes.
Comment: This variant was determined to be pathogenic according to ACMG Guidelines, 2015 [PMID:25741868]. Heterozygous p.L154dup has been previously reported in patients with Sp alpha I/65 hereditary elliptocytosis [PMID 2567189, 8857939]

Institute for Medical Genetics and Human Genetics, Charité - Universitätsmedizin Berlin
Classification: Likely pathogenic. Review status: criteria provided, single submitter. Criteria: ACMG Guidelines, 2015. Collection method: not provided. Allele origin: germline. Affected: yes.

OMIM
Classification: Pathogenic for ELLIPTOCYTOSIS 2. Last evaluated: 1992-08-01. Review status: no assertion criteria provided. Collection method: literature only. Allele origin: germline. Not counted in ClinVar's aggregate classification.

Literature cited by the submitters: PubMed 1642244 (cited by Labcorp Genetics (formerly Invitae), Labcorp and OMIM); PubMed 2567189 (cited by 5 submitters); PubMed 2794061 (cited by Labcorp Genetics (formerly Invitae), Labcorp and OMIM); PubMed 3922449 (cited by Labcorp Genetics (formerly Invitae), Labcorp and OMIM); PubMed 8790144 (cited by Labcorp Genetics (formerly Invitae), Labcorp and Mayo Clinic Laboratories, Mayo Clinic); PubMed 8857939 (cited by 4 submitters); PubMed 30393954 (cited by Labcorp Genetics (formerly Invitae), Labcorp and Women's Health and Genetics/Laboratory Corporation of America, LabCorp); PubMed 37016817 (cited by Mayo Clinic Laboratories, Mayo Clinic); PubMed 4027386 (cited by Women's Health and Genetics/Laboratory Corporation of America, LabCorp); PubMed 3597773 (cited by Women's Health and Genetics/Laboratory Corporation of America, LabCorp and OMIM); PubMed 27667160 (cited by Women's Health and Genetics/Laboratory Corporation of America, LabCorp); PubMed 1353056 (cited by OMIM).